The following is an entry in ClinVar:

ClinVar aggregate classification (germline): Uncertain significance (1 of 4 stars; one submission).

Conditions:
Mitochondrial disease. Also called: Mitochondrial disorders; Mitochondrial disorder. Identifiers: Orphanet 68380, MedGen C0751651, MeSH D028361, MONDO:0044970.

Submission:

Genomenon, Inc
Classification: Uncertain significance for Mitochondrial disease. Last evaluated: 2025-11-24. Review status: criteria provided, single submitter. Criteria: Genomenon Sequence Variant Interpretation Standards - Updated. Collection method: curation. Allele origin: germline. Affected: no.
Comment: TK2 p.Tyr141Phe (c.422A>T) is a missense variant that changes the amino acid at residue 141 from Tyrosine to Phenylalanine. This variant has been reported in the published literature (34758700). This variant is not present at a significant frequency in gnomAD, and in silico models agree that this variant is possibly or probably damaging. In conclusion, we classify TK2 p.Tyr141Phe (c.422A>T) as a variant of uncertain significance.

Literature cited by the submitters: PubMed 34758700.

NM_004614.5(TK2):c.422A>T (p.Tyr141Phe)

Gene: TK2 (thymidine kinase 2; minus strand). Cytogenetic location: 16q21.
Variant type: single nucleotide variant.
Coding change: c.422A>T on transcript NM_004614.5 (MANE Select); coding-DNA position 422, A replaced by T.
Protein change: p.Tyr141Phe; replaces tyrosine 141 with phenylalanine.
Molecular consequence: missense variant. On other transcripts: non-coding transcript variant (1).
Genome position (GRCh38, 1-based): chr16:66,529,021, T>A on the plus strand (A>T on the coding strand, the complement: TK2 is on the minus strand). VCF-style: chr16-66529021-T-A. GRCh37 (hg19) VCF-style: chr16-66562924-T-A.
Other names: c.329A>T, p.Tyr110Phe (NM_001172643.1, NM_001271935.1); c.347A>T, p.Tyr116Phe (NM_001172644.2); c.368A>T, p.Tyr123Phe (NM_001172645.2); c.275A>T, p.Tyr92Phe (NM_001271934.2); c.131A>T, p.Tyr44Phe (NM_001272050.2); short protein forms Y110F, Y116F, Y123F, Y141F, Y44F, Y92F.
Identifiers: ClinVar variation 3778869 (VCV003778869.2).